The following is an entry in ClinVar:

ClinVar aggregate classification (germline): Benign/Likely benign. Review status: criteria provided, multiple submitters, no conflicts (2 of 4 stars). 2 submissions from 2 submitters: Benign (1); Likely benign (1). Last evaluated 2024-04-10.

Conditions:
Hereditary cancer-predisposing syndrome. Also called: Neoplastic Syndromes, Hereditary; Tumor predisposition; Hereditary Cancer Syndrome; Hereditary neoplastic syndrome. Identifiers: Orphanet 140162, MedGen C0027672, MeSH D009386, MONDO:0015356.
Familial adenomatous polyposis 1 (FAP1). Also called: FAMILIAL ADENOMATOUS POLYPOSIS 1, ATTENUATED; POLYPOSIS, ADENOMATOUS INTESTINAL. Identifiers: MedGen C2713442, MONDO:0021056, OMIM 175100. Disease mechanism: loss of function.

Submissions (2):

Myriad Genetics, Inc.
Classification: Benign for Familial adenomatous polyposis 1. Last evaluated: 2024-04-10. Review status: criteria provided, single submitter. Criteria: Myriad Autosomal Dominant, Autosomal Recessive and X-Linked Classification Criteria (2023). Collection method: clinical testing. Allele origin: unknown.
Comment: This variant is considered benign. This variant is a silent/synonymous amino acid change and it is not expected to impact splicing.

Ambry Genetics
Classification: Likely benign for Hereditary cancer-predisposing syndrome. Last evaluated: 2022-10-15. Review status: criteria provided, single submitter. Criteria: Ambry Variant Classification Scheme 2023. Collection method: clinical testing. Allele origin: germline.

NM_000038.6(APC):c.7776G>C (p.Val2592=)

Gene: APC (APC regulator of Wnt signaling pathway; plus strand). Cytogenetic location: 5q22.2.
Variant type: single nucleotide variant.
Coding change: c.7776G>C on transcript NM_000038.6 (MANE Select); coding-DNA position 7776, G replaced by C.
Protein change: p.Val2592=; no amino-acid change (valine 2592 retained).
Molecular consequence: synonymous variant. On other transcripts: non-coding transcript variant (2).
Genome position (GRCh38, 1-based): chr5:112,843,370, G>C. VCF-style: chr5-112843370-G-C. GRCh37 (hg19) VCF-style: chr5-112179067-G-C.
Other names: c.7776G>C, p.Val2592= (NM_001127510.3, NM_001354895.2, NM_001407450.1); c.7722G>C, p.Val2574= (NM_001127511.3); c.7830G>C, p.Val2610= (NM_001354896.2, NM_001407447.1, NM_001407448.1 and 1 more transcripts); c.7806G>C, p.Val2602= (NM_001354897.2); c.7701G>C, p.Val2567= (NM_001354898.2); c.7692G>C, p.Val2564= (NM_001354899.2); c.7653G>C, p.Val2551= (NM_001354900.2); c.7599G>C, p.Val2533= (NM_001354901.2, NM_001407453.1); and 11 more.
Identifiers: ClinVar variation 1760565 (VCV001760565.3), dbSNP rs2149993605, ClinGen allele CA446211217.